The following is an entry in ClinVar:

ClinVar aggregate classification (germline): Uncertain significance (1 of 4 stars; one submission).

Conditions:
Hereditary cancer-predisposing syndrome. Also called: Neoplastic Syndromes, Hereditary; Hereditary neoplastic syndrome; Tumor predisposition; Hereditary Cancer Syndrome. Identifiers: Orphanet 140162, MedGen C0027672, MeSH D009386, MONDO:0015356.

Submission:

Ambry Genetics
Classification: Uncertain significance for Hereditary cancer-predisposing syndrome. Last evaluated: 2026-02-15. Review status: criteria provided, single submitter. Criteria: Ambry Variant Classification Scheme 2023. Collection method: clinical testing. Allele origin: germline.
Comment: The p.N31D variant (also known as c.91A>G), located in coding exon 1 of the CDKN1B gene, results from an A to G substitution at nucleotide position 91. The asparagine at codon 31 is replaced by aspartic acid, an amino acid with highly similar properties. This amino acid position is conserved. In addition, the in silico prediction for this alteration is inconclusive. Based on the available evidence, the clinical significance of this variant remains unclear.

NM_004064.5(CDKN1B):c.91A>G (p.Asn31Asp)

Gene: CDKN1B (cyclin dependent kinase inhibitor 1B; plus strand). Cytogenetic location: 12p13.1.
Variant type: single nucleotide variant.
Coding change: c.91A>G on transcript NM_004064.5 (MANE Select); coding-DNA position 91, A replaced by G.
Protein change: p.Asn31Asp; replaces asparagine 31 with aspartic acid.
Molecular consequence: missense variant.
Genome position (GRCh38, 1-based): chr12:12,717,930, A>G. VCF-style: chr12-12717930-A-G. GRCh37 (hg19) VCF-style: chr12-12870864-A-G.
Other names: short protein forms N31D.
Identifiers: ClinVar variation 4824227 (VCV004824227.1).